The following is an entry in ClinVar:

NM_006031.6(PCNT):c.1016del (p.Asn339fs)

Gene: PCNT (pericentrin; plus strand). Cytogenetic location: 21q22.3.
Variant type: Deletion.
Coding change: c.1016del on transcript NM_006031.6 (MANE Select); coding-DNA position 1016, one base deleted (A; older notation c.1016delA).
Protein change: p.Asn339fs; shifts the reading frame from asparagine 339.
Molecular consequence: frameshift variant.
Genome position (GRCh38, 1-based): chr21:46,347,496, A deleted; the last of 5 consecutive A bases (chr21:46,347,492-46,347,496); deleting any one gives the same sequence. VCF-style (leftmost placement, unchanged base first): chr21-46347491-GA-G. GRCh37 (hg19) VCF-style: chr21-47767405-GA-G.
Other names: c.662del, p.Asn221fs (NM_001315529.2); short protein forms N221fs, N339fs.
Identifiers: ClinVar variation 4526883 (VCV004526883.1).

ClinVar aggregate classification (germline): Pathogenic (1 of 4 stars; one submission).

Conditions:
Microcephalic osteodysplastic primordial dwarfism type II (MOPD2). Also called: Microcephalic osteodysplastic primordial dwarfism with tooth abnormalities; MOPD II; OSTEODYSPLASTIC PRIMORDIAL DWARFISM, TYPE II. Identifiers: Orphanet 2637, MedGen C0432246, MONDO:0008872, OMIM 210720.

Submission:

Kasturba Medical College, Manipal, Kasturba Medical College, Manipal, Manipal Academy of Higher Education, Manipal, India
Classification: Pathogenic for Microcephalic osteodysplastic primordial dwarfism type II. Last evaluated: 2025-11-07. Review status: criteria provided, single submitter. Criteria: ACMG Guidelines, 2015. Collection method: research. Allele origin: maternal. Inheritance: Autosomal recessive inheritance. Affected: yes. Observed: 1 heterozygote.
Comment: This variant is absent in heterozygous and/or homozygous state in gnomAD population database (v4.1.0) and our in-house database of 3829 exomes. This variant is predicted to cause shift in the reading frame of the transcript which will either lead to the nonsense-mediated mRNA decay or formation of a truncated protein product.